The following is an entry in ClinVar:

NM_001374828.1(ARID1B):c.1602G>T (p.Ser534=)

Gene: ARID1B (AT-rich interaction domain 1B; plus strand). Cytogenetic location: 6q25.3.
Variant type: single nucleotide variant.
Coding change: c.1602G>T on transcript NM_001374828.1 (MANE Select); coding-DNA position 1602, G replaced by T.
Protein change: p.Ser534=; no amino-acid change (serine 534 retained).
Molecular consequence: synonymous variant.
Genome position (GRCh38, 1-based): chr6:156,779,282, G>T. VCF-style: chr6-156779282-G-T. GRCh37 (hg19) VCF-style: chr6-157100416-G-T.
Other names: c.1353G>T, p.Ser451= (NM_001346813.1, NM_020732.3); c.1602G>T, p.Ser534= (NM_001371656.1, NM_001374820.1, NM_017519.3); c.1179G>T, p.Ser393= (NM_175863.2).
Identifiers: ClinVar variation 3030288 (VCV003030288.2), dbSNP rs2546843358, ClinGen allele CA452989665.
Genomic context (GRCh38, chr6:156,779,282, plus strand): 5'-GAGCTACGGCGGCAGCTACCCCGAGTACAGCAGCCCCAGCGCGCCGCCGCCGCCGCCGTC[G>T]CAGCCCCAGTCCCAGGCGGCGGCGGCGGGGGCGGCGGCGGGCGGCCAGCAGGCGGCCGCG-3'
Protein context (NP_001361757.1, residues 524-544): SSPSAPPPPP[Ser534=]QPQSQAAAAG

ClinVar aggregate classification (germline): Likely benign (0 of 4 stars; one submission).

Conditions:
ARID1B-Related Disorder. Identifiers: MedGen CN381337.

Submission:

PreventionGenetics, part of Exact Sciences
Classification: Likely benign for ARID1B-related condition. Last evaluated: 2021-04-26. Review status: no assertion criteria provided. Collection method: clinical testing. Allele origin: germline.
Comment: This variant is classified as likely benign based on ACMG/AMP sequence variant interpretation guidelines (Richards et al. 2015 PMID: 25741868, with internal and published modifications).